The following is an entry in ClinVar:

NC_000001.10:g.(?_55470675)_(55474301_?)del

Gene: BSND (barttin CLCNK type accessory subunit beta; plus strand). Cytogenetic location: 1p32.3.
Variant type: Deletion.
Identifiers: ClinVar variation 3248023 (VCV003248023.1).

ClinVar aggregate classification (germline): Pathogenic (1 of 4 stars; one submission).

Submission:

Labcorp Genetics (formerly Invitae), Labcorp
Classification: Pathogenic. Last evaluated: 2023-08-05. Review status: criteria provided, single submitter. Criteria: Invitae Variant Classification Sherloc (09022015). Collection method: clinical testing. Allele origin: unknown.
Comment: This variant is a gross deletion of the genomic region encompassing exon(s) 2-4 of the BSND gene, which includes the termination codon. This deletion extends beyond the assayed region for this gene and therefore may encompass additional genes. While this deletion is not anticipated to lead to nonsense mediated decay, it is expected to alter mRNA translation or result in a truncated protein product. For these reasons, this variant has been classified as Pathogenic. This variant disrupts a region of the BSND protein in which other variant(s) (Deletion (Exons 3-4)) have been determined to be pathogenic (PMID: 11433084, 11687798). This suggests that this is a clinically significant region of the protein, and that variants that disrupt it are likely to be disease-causing. A similar copy number variant has been observed in individual(s) with Bartter syndrome (PMID: 18843510).

Literature cited by the submitters: PubMed 11433084; PubMed 11687798; PubMed 18843510.